The following is an entry in ClinVar:

NM_001199397.3(NEK1):c.2243T>G (p.Leu748Arg)

Gene: NEK1 (NIMA related kinase 1; minus strand). Cytogenetic location: 4q33.
Variant type: single nucleotide variant.
Coding change: c.2243T>G on transcript NM_001199397.3 (MANE Select); coding-DNA position 2243, T replaced by G.
Protein change: p.Leu748Arg; replaces leucine 748 with arginine.
Molecular consequence: missense variant. On other transcripts: non-coding transcript variant (1).
Genome position (GRCh38, 1-based): chr4:169,477,315, A>C on the plus strand (T>G on the coding strand, the complement: NEK1 is on the minus strand). VCF-style: chr4-169477315-A-C. GRCh37 (hg19) VCF-style: chr4-170398466-A-C.
Other names: c.2111T>G, p.Leu704Arg (NM_001199398.3); c.1952T>G, p.Leu651Arg (NM_001199399.3); c.2027T>G, p.Leu676Arg (NM_001199400.3); c.2243T>G, p.Leu748Arg (NM_001374418.1); c.2159T>G, p.Leu720Arg (NM_001374419.1, NM_012224.4); c.2108T>G, p.Leu703Arg (NM_001374420.1); c.1937T>G, p.Leu646Arg (NM_001374421.1); short protein forms L704R, L748R, L646R, L676R, L651R, L703R, L720R.
Identifiers: ClinVar variation 2109998 (VCV002109998.4), dbSNP rs1159426418, ClinGen allele CA358733015.
Genomic context (GRCh38, chr4:169,477,315, plus strand): 5'-ACATTTATCTCAAAAGTATCAGAGAGATTCTGCTTTCCTTTTTCATCTTCTTGAGCTTTA[A>C]GATTTTCATTTAATCTACGAAGTATTTCTCGCTTACTCTGAAAGTCACGACATTATATAT-3'
Protein context (NP_001186326.1, residues 738-758): REILRRLNEN[Leu748Arg]KAQEDEKGKQ

ClinVar aggregate classification (germline): Uncertain significance (1 of 4 stars; one submission).

Conditions:
Short-rib thoracic dysplasia 6 with or without polydactyly (SRTD6). Also called: SHORT RIB-POLYDACTYLY SYNDROME, TYPE IIA; POLYDACTYLY WITH NEONATAL CHONDRODYSTROPHY, TYPE II; Majewski Syndrome; SHORT-RIB THORACIC DYSPLASIA 6 WITH POLYDACTYLY; SHORT-RIB THORACIC DYSPLASIA 6 WITHOUT POLYDACTYLY. Identifiers: MedGen C0024507, MONDO:0009894, OMIM 263520.

Allele frequency attached by ClinVar (database versions not stated): gnomAD 0.00001.
gnomAD v4.1: 2 of 1,582,194 alleles (0.00013%); highest among the groups gnomAD compares: Admixed American, 0.0018%; no homozygotes.

Submission:

Labcorp Genetics (formerly Invitae), Labcorp
Classification: Uncertain significance for Short-rib thoracic dysplasia 6 with or without polydactyly. Last evaluated: 2026-01-18. Review status: criteria provided, single submitter. Criteria: Invitae Variant Classification Sherloc (09022015). Collection method: clinical testing. Allele origin: germline.
Comment: This sequence change replaces leucine, which is neutral and non-polar, with arginine, which is basic and polar, at codon 720 of the NEK1 protein (p.Leu720Arg). This variant is present in population databases (no rsID available, gnomAD 0.004%). This variant has not been reported in the literature in individuals affected with NEK1-related conditions. ClinVar contains an entry for this variant (Variation ID: 2109998). Invitae Evidence Modeling of protein sequence and biophysical properties (such as structural, functional, and spatial information, amino acid conservation, physicochemical variation, residue mobility, and thermodynamic stability) has been performed for this missense variant. However, the output from this modeling did not meet the statistical confidence thresholds required to predict the impact of this variant on NEK1 protein function. In summary, the available evidence is currently insufficient to determine the role of this variant in disease. Therefore, it has been classified as a Variant of Uncertain Significance.